The following is an entry in ClinVar:

ClinVar aggregate classification (germline): Pathogenic (1 of 4 stars; one submission).

Conditions:
High molecular weight kininogen deficiency. Also called: Reduced kininogen activity; Congenital high-molecular-weight kininogen deficiency; FITZGERALD TRAIT; HMWK DEFICIENCY. Identifiers: Orphanet 483, MedGen C0272340, MONDO:0009234, OMIM 228960, HP:0005527.

Allele frequency attached by ClinVar (database versions not stated): ExAC 0.00001; gnomAD 0.00001; gnomAD exomes 0.00001; TOPMed 0.00001.
gnomAD v4.1: 10 of 1,609,920 alleles (0.00062%); highest among the groups gnomAD compares: Admixed American, 0.0034%; no homozygotes.

Submission:

Institute for Clinical Chemistry and Laboratory Medicine, University Medical Center Mainz
Classification: Pathogenic for High molecular weight kininogen deficiency. Last evaluated: 2022-12-06. Review status: criteria provided, single submitter. Criteria: ACMG Guidelines, 2015. Collection method: clinical testing. Allele origin: germline. Inheritance: Autosomal recessive inheritance. Affected: yes. Observed: 1 compound heterozygote.
Comment: This case was originally described as being prekallikrein (PK) deficient due to low PK activity (7%) (Tomao et al.; Biochim Clin.; 2015; 39:e7-e9). The HK deficiency could not be investigated on protein level because no patient plasma was available, but the patient was described as having a massively prolonged aPTT, and exome sequencing did not reveal any relevant variants in/around KLKB1. Therefore, the previously observed low PK level is most likely secondary to HK deficiency, as seen elsewere (Adenaeuer et al. PMID: ). The c.1165C>T variant results in a frameshift and, due to its position in exon 10a, in both HK and likely low-molecular-weight kininogen deficiency. In addition, the variant was also found to cause HK deficiency in another family unrelated to our case, also in compound heterozygosity (PMID: 31858768). We classified the variant as pathogenic (ACMG guideline).

Literature cited by the submitters: PubMed 32202057.

NM_001102416.3(KNG1):c.1165C>T (p.Arg389Ter)

Gene: KNG1 (kininogen 1; plus strand). Cytogenetic location: 3q27.3.
Variant type: single nucleotide variant.
Coding change: c.1165C>T on transcript NM_001102416.3 (MANE Select); coding-DNA position 1165, C replaced by T.
Protein change: p.Arg389Ter; replaces arginine 389 with a stop codon.
Molecular consequence: nonsense.
Genome position (GRCh38, 1-based): chr3:186,741,561, C>T. VCF-style: chr3-186741561-C-T. GRCh37 (hg19) VCF-style: chr3-186459350-C-T.
Other names: c.1165C>T, p.Arg389Ter (NM_000893.4); c.1057C>T, p.Arg353Ter (NM_001166451.2); short protein forms R353*, R389*.
Identifiers: ClinVar variation 1803726 (VCV001803726.2), dbSNP rs752411996, ClinGen allele CA2746410.